The following is an entry in ClinVar:

NM_006766.5(KAT6A):c.826_829dup (p.Asn277delinsArgTer)

Gene: KAT6A (lysine acetyltransferase 6A; minus strand). Cytogenetic location: 8p11.21.
Variant type: Duplication.
Coding change: c.826_829dup on transcript NM_006766.5 (MANE Select); coding-DNA positions 826 to 829, 4 bases duplicated (GATA; older notation c.826_829dupGATA).
Protein change: p.Asn277delinsArgTer.
Molecular consequence: nonsense.
Genome position (GRCh38, 1-based): chr8:41,980,924-41,980,927, TATC duplicated on the plus strand (GATA on the coding strand, the reverse complement: KAT6A is on the minus strand). VCF-style (leftmost placement, unchanged base first): chr8-41980923-T-TTATC. GRCh37 (hg19) VCF-style: chr8-41838441-T-TTATC.
Other names: c.826_829dup, p.Asn277delinsArgTer (NM_001305878.2).
Identifiers: ClinVar variation 4813768 (VCV004813768.1).

ClinVar aggregate classification (germline): Pathogenic (1 of 4 stars; one submission).

Conditions:
Autosomal dominant intellectual disability-craniofacial anomalies-cardiac defects syndrome (ARTHS). Also called: KAT6A syndrome; Arboleda-Tham syndrome; Mental retardation, autosomal dominant 32. Identifiers: Orphanet 457193, MedGen C4225396, MONDO:0014558, OMIM 616268.

Submission:

Variantyx, Inc.
Classification: Pathogenic for Autosomal dominant intellectual disability-craniofacial anomalies-cardiac defects syndrome. Last evaluated: 2025-12-08. Review status: criteria provided, single submitter. Criteria: Variantyx Assertion Criteria 2022. Collection method: clinical testing. Allele origin: germline. Inheritance: Autosomal recessive inheritance. Affected: yes.
Comment: This is a frameshift variant in the KAT6A gene (OMIM: 601408). Pathogenic variants in this gene have been associated with autosomal dominant Arboleda-Tham syndrome. This variant introduces a premature termination codon in exon 5 out of 17 and is expected to result in loss of function, which is a known disease mechanism for KAT6A in this disorder (PMID: 25728775, 25728777, 27133397) (PVS1). This variant is absent from control populations (PM2). Based on the current evidence, this variant is classified as pathogenic for autosomal dominant Arboleda-Tham syndrome.

Literature cited by the submitters: PubMed 25728775; PubMed 25728777; PubMed 27133397.